The following is an entry in ClinVar:

NM_000051.4(ATM):c.1514_1515del (p.Phe505fs)

Gene: ATM (ATM serine/threonine kinase; plus strand). Cytogenetic location: 11q22.3.
Variant type: Deletion.
Coding change: c.1514_1515del on transcript NM_000051.4 (MANE Select); coding-DNA positions 1514 to 1515, 2 bases deleted (TT; older notation c.1514_1515delTT).
Protein change: p.Phe505fs; shifts the reading frame from phenylalanine 505.
Molecular consequence: frameshift variant.
Genome position (GRCh38, 1-based): chr11:108,250,979-108,250,980, TT deleted; deleting any 2 consecutive bases within chr11:108,250,978-108,250,980 gives the same sequence; the c. name uses the placement nearest the transcript's 3' end. VCF-style (leftmost placement, unchanged base first): chr11-108250977-CTT-C. GRCh37 (hg19) VCF-style: chr11-108121704-CTT-C.
Other names: c.1514_1515del, p.Phe505fs (NM_001351834.2); c.1514_1515delTT (NM_000051.3); short protein forms F505fs.
Identifiers: ClinVar variation 407455 (VCV000407455.50), dbSNP rs1060501529, ClinGen allele CA16613075.

ClinVar aggregate classification (germline): Pathogenic. Review status: criteria provided, multiple submitters, no conflicts (2 of 4 stars). 3 submissions from 3 submitters: Pathogenic (3). Last evaluated 2022-08-20.

Conditions:
Ataxia-telangiectasia syndrome (AT). Also called: LOUIS-BAR SYNDROME; Cerebello-oculocutaneous telangiectasia; Immunodeficiency with ataxia telangiectasia; Ataxia-telangiectasia, complementation group D; AT, COMPLEMENTATION GROUP C; Ataxia-telangiectasia, complementation group E. Identifiers: Orphanet 100, MedGen C0004135, MONDO:0008840, OMIM 208900.
Familial cancer of breast. Also called: Hereditary breast cancer; BREAST CANCER, FAMILIAL; hereditary breast carcinoma. Identifiers: Orphanet 227535, MedGen C0346153, MONDO:0016419, OMIM 114480. Disease mechanism: loss of function.

Submissions (3):

Labcorp Genetics (formerly Invitae), Labcorp
Classification: Pathogenic for Ataxia-telangiectasia syndrome. Last evaluated: 2022-08-20. Review status: criteria provided, single submitter. Criteria: Invitae Variant Classification Sherloc (09022015). Collection method: clinical testing. Allele origin: germline.
Comment: For these reasons, this variant has been classified as Pathogenic. ClinVar contains an entry for this variant (Variation ID: 407455). This premature translational stop signal has been observed in individual(s) with ataxia-telangiectasia (PMID: 21792198, 22213089). This variant is not present in population databases (gnomAD no frequency). This sequence change creates a premature translational stop signal (p.Phe505Trpfs*10) in the ATM gene. It is expected to result in an absent or disrupted protein product. Loss-of-function variants in ATM are known to be pathogenic (PMID: 23807571, 25614872).

Baylor Genetics
Classification: Pathogenic for Familial cancer of breast. Last evaluated: 2022-06-10. Review status: criteria provided, single submitter. Criteria: ACMG Guidelines, 2015. Collection method: clinical testing. Allele origin: unknown.

CeGaT Center for Human Genetics Tuebingen
Classification: Pathogenic. Last evaluated: 2021-02-01. Review status: criteria provided, single submitter. Criteria: CeGaT Center For Human Genetics Tuebingen Variant Classification Criteria Version 2. Collection method: clinical testing. Allele origin: germline. Affected: yes. Observed: 3 variant alleles.

Literature cited by the submitters: PubMed 21792198 (cited by Labcorp Genetics (formerly Invitae), Labcorp); PubMed 22213089 (cited by Labcorp Genetics (formerly Invitae), Labcorp); PubMed 23807571 (cited by Labcorp Genetics (formerly Invitae), Labcorp); PubMed 25614872 (cited by Labcorp Genetics (formerly Invitae), Labcorp).